The following is an entry in ClinVar:

ClinVar aggregate classification (germline): Likely pathogenic. Review status: criteria provided, multiple submitters, no conflicts (2 of 4 stars). 2 submissions from 2 submitters: Likely pathogenic (2). Last evaluated 2026-04-14.

Conditions:
Familial intrahepatic cholestasis. Identifiers: Orphanet 284385, MedGen CN296401, MONDO:0017290.

Submissions (2):

Genomenon, Inc
Classification: Likely pathogenic for Familial intrahepatic cholestasis. Last evaluated: 2026-04-14. Review status: criteria provided, single submitter. Criteria: Genomenon Sequence Variant Interpretation Standards - Updated. Collection method: curation. Allele origin: germline. Affected: yes.
Comment: ABCB4 c.3633+2T>A is a canonical splice variant affecting the donor splice site of intron 27. It is predicted to affect mRNA splicing, leading to a deleterious effect on the ABCB4 protein. This variant has been observed in at least one proband with an ABCB4-related disorder (PMID:24594635). It has been observed in trans with a pathogenic or likely pathogenic variant (PMID:24594635). It is absent or not present at a significant frequency in gnomAD. In conclusion, we classify ABCB4 c.3633+2T>A as a likely pathogenic variant.

Labcorp Genetics (formerly Invitae), Labcorp
Classification: Likely pathogenic. Last evaluated: 2025-01-15. Review status: criteria provided, single submitter. Criteria: Invitae Variant Classification Sherloc (09022015). Collection method: clinical testing. Allele origin: germline.
Comment: This sequence change affects a donor splice site in intron 27 of the ABCB4 gene. While this variant is not anticipated to result in nonsense mediated decay, it likely alters RNA splicing and results in a disrupted protein product. This variant is not present in population databases (gnomAD no frequency). Disruption of this splice site has been observed in individuals with autosomal recessive progressive familial intrahepatic cholestasis (PMID: 24594635, 29761167). Variants that disrupt the consensus splice site are a relatively common cause of aberrant splicing (PMID: 17576681, 9536098). Algorithms developed to predict the effect of sequence changes on RNA splicing suggest that this variant may disrupt the consensus splice site. This variant disrupts a region of the ABCB4 protein in which other variant(s) (p.His1231Tyr) have been observed in individuals with ABCB4-related conditions (PMID: 22766396). This suggests that this is a clinically significant region of the protein, and that variants that disrupt it are likely to be disease-causing. In summary, the currently available evidence indicates that the variant is pathogenic, but additional data are needed to prove that conclusively. Therefore, this variant has been classified as Likely Pathogenic.

Literature cited by the submitters: PubMed 24594635 (cited by Genomenon, Inc and Labcorp Genetics (formerly Invitae), Labcorp); PubMed 29761167 (cited by Labcorp Genetics (formerly Invitae), Labcorp); PubMed 17576681 (cited by Labcorp Genetics (formerly Invitae), Labcorp); PubMed 9536098 (cited by Labcorp Genetics (formerly Invitae), Labcorp); PubMed 22766396 (cited by Labcorp Genetics (formerly Invitae), Labcorp).

NM_000443.4(ABCB4):c.3633+2T>A

Gene: ABCB4 (ATP binding cassette subfamily B member 4; minus strand). Cytogenetic location: 7q21.12.
Variant type: single nucleotide variant.
Coding change: c.3633+2T>A on transcript NM_000443.4 (MANE Select); the canonical splice donor site of the intron after coding-DNA position 3633, T replaced by A.
Molecular consequence: splice donor variant.
Genome position (GRCh38, 1-based): chr7:87,403,133, A>T on the plus strand (T>A on the coding strand, the complement: ABCB4 is on the minus strand). VCF-style: chr7-87403133-A-T. GRCh37 (hg19) VCF-style: chr7-87032449-A-T.
Other names: c.3492+2T>A (NM_018850.3); c.3654+2T>A (NM_018849.3).
Identifiers: ClinVar variation 3720755 (VCV003720755.3).